The following is an entry in ClinVar:

NM_139314.3(ANGPTL4):c.1167G>A (p.Pro389=)

Gene: ANGPTL4 (angiopoietin like 4; plus strand). Cytogenetic location: 19p13.2.
Variant type: single nucleotide variant.
Coding change: c.1167G>A on transcript NM_139314.3 (MANE Select); coding-DNA position 1167, G replaced by A.
Protein change: p.Pro389=; no amino-acid change (proline 389 retained).
Molecular consequence: synonymous variant.
Genome position (GRCh38, 1-based): chr19:8,373,832, G>A. VCF-style: chr19-8373832-G-A. GRCh37 (hg19) VCF-style: chr19-8438716-G-A.
Other names: c.1053G>A, p.Pro351= (NM_001039667.3).
Identifiers: ClinVar variation 3056777 (VCV003056777.2), dbSNP rs11672433, ClinGen allele CA9156212.

ClinVar aggregate classification (germline): Benign (0 of 4 stars; one submission).

Conditions:
ANGPTL4-related disorder. Also called: ANGPTL4-related condition.

Allele frequency attached by ClinVar (database versions not stated): 1000 Genomes Project 0.05551; 1000 Genomes Project 30x 0.05621; TOPMed 0.08954; gnomAD 0.09528; ESP Exome Variant Server 0.10326.

Submission:

PreventionGenetics, part of Exact Sciences
Classification: Benign for ANGPTL4-related condition. Last evaluated: 2019-10-21. Review status: no assertion criteria provided. Collection method: clinical testing. Allele origin: germline.
Comment: This variant is classified as benign based on ACMG/AMP sequence variant interpretation guidelines (Richards et al. 2015 PMID: 25741868, with internal and published modifications).